The following is an entry in ClinVar:

NM_182641.4(BPTF):c.1865-12_1868delinsC

Gene: BPTF (bromodomain PHD finger transcription factor; plus strand). Cytogenetic location: 17q24.2.
Variant type: Indel.
Coding change: c.1865-12_1868delinsC on transcript NM_182641.4 (MANE Select); 12 bases into the intron before coding-DNA position 1865 through coding-DNA position 1868, TTCATTTGACAGTAGG replaced by C.
Molecular consequence: splice acceptor variant.
Genome position (GRCh38, 1-based): chr17:67,891,832-67,891,847, TTCATTTGACAGTAGG replaced by C. VCF-style: chr17-67891832-TTCATTTGACAGTAGG-C. GRCh37 (hg19) VCF-style: chr17-65887948-TTCATTTGACAGTAGG-C.
Other names: c.2243-12_2246delinsC (NM_004459.7).
Identifiers: ClinVar variation 3775816 (VCV003775816.1).
Genomic context (GRCh38, chr17:67,891,832, plus strand): 5'-TTTGGTGAAATAAGGTGGTTATAATTATTTACTTATTGTCAGCAATTGCTTTGTGGCCTA[TTCATTTGACAGTAGG>C]TGATTTCAAATCGGAGAAGTCCAACGGGGAGCTAAGTGAATCTCCTGGAGCTGGAAAAGG-3'

ClinVar aggregate classification (germline): Likely pathogenic (1 of 4 stars; one submission).

Conditions:
Neurodevelopmental disorder with dysmorphic facies and distal limb anomalies. Identifiers: Orphanet 686482, MedGen C4540327, MONDO:0060596, OMIM 617755.

Submission:

3billion
Classification: Likely pathogenic for Neurodevelopmental disorder with dysmorphic facies and distal limb anomalies. Last evaluated: 2024-02-26. Review status: criteria provided, single submitter. Criteria: ACMG Guidelines, 2015. Collection method: clinical testing. Allele origin: germline. Affected: yes.
Comment: The variant is not observed in the gnomAD v2.1.1 dataset. Predicted Consequence/Location: Canonical splice site: predicted to alter splicing and result in a loss or disruption of normal protein function. Multiple pathogenic loss-of-function variants are reported downstream of the variant. Therefore, this variant is classified as Likely pathogenic according to the recommendation of ACMG/AMP guideline.